The following is an entry in ClinVar:

NM_152490.5(B3GALNT2):c.51_73dup (p.Ser25fs)

Gene: B3GALNT2 (beta-1,3-N-acetylgalactosaminyltransferase 2; minus strand). Cytogenetic location: 1q42.3.
Variant type: Duplication.
Coding change: c.51_73dup on transcript NM_152490.5 (MANE Select); coding-DNA positions 51 to 73, 23 bases duplicated (GCACCTCTGGCTGCGGCTGCGCT).
Protein change: p.Ser25fs; shifts the reading frame from serine 25.
Molecular consequence: frameshift variant.
Genome position (GRCh38, 1-based): chr1:235,504,180-235,504,202, AGCGCAGCCGCAGCCAGAGGTGC duplicated on the plus strand (GCACCTCTGGCTGCGGCTGCGCT on the coding strand, the reverse complement: B3GALNT2 is on the minus strand); duplicating any 23 consecutive bases within chr1:235,504,180-235,504,207 gives the same sequence; the c. name uses the placement nearest the transcript's 3' end. VCF-style (leftmost placement, unchanged base first): chr1-235504179-G-GAGCGCAGCCGCAGCCAGAGGTGC. GRCh37 (hg19) VCF-style: chr1-235667479-G-GAGCGCAGCCGCAGCCAGAGGTGC.
Other names: c.51_73dup, p.Ser25fs (NM_001277155.3); short protein forms S25fs.
Identifiers: ClinVar variation 132979 (VCV000132979.3), dbSNP rs367543069, ClinGen allele CA231748.
Genomic context (GRCh38, chr1:235,504,179, plus strand): 5'-CCGCCCGGCCCCAGGACCTCACCTGCAGGGCCGGCCCCGGAGGCGCAGGCGGGCGGCGGG[G>GAGCGCAGCCGCAGCCAGAGGTGC]AGCGCAGCCGCAGCCAGAGGTGCAGCGCGGCCCCGAGCACACACGGGCACAGCAGCACCA-3'

ClinVar aggregate classification (germline): Pathogenic. Review status: criteria provided, single submitter (1 of 4 stars). 2 submissions from 2 submitters: Pathogenic (1). 1 of the submissions does not count toward it. Last evaluated 2017-12-07.

Conditions:
Muscular dystrophy-dystroglycanopathy (congenital with brain and eye anomalies), type a, 11 (MDDGA11). Also called: Congenital muscular dystrophy-dystroglycanopathy with brain and eye anomalies, type A11; Muscular dystrophy-dystroglycanopathy (congenital with brain and eye anomalies, type A, 11; WALKER-WARBURG SYNDROME OR MUSCLE-EYE-BRAIN DISEASE, B3GALNT2-RELATED. Identifiers: Orphanet 588, Orphanet 899, MedGen C3554638, MONDO:0014071, OMIM 615181.

Submissions (2):

Institute of Human Genetics Munich, TUM University Hospital
Classification: Pathogenic for Muscular dystrophy-dystroglycanopathy (congenital with brain and eye anomalies), type a, 11. Last evaluated: 2017-12-07. Review status: criteria provided, single submitter. Criteria: Classification criteria August 2017. Collection method: clinical testing. Allele origin: germline. Inheritance: Autosomal recessive inheritance. Affected: yes. Observed: 1 homozygote.

Leiden Muscular Dystrophy pages (B3GALNT2)
No classification provided. Review status: no classification provided. Collection method: not provided. Allele origin: germline, unknown. Not counted in ClinVar's aggregate classification.
Comment: has functional consequence